The following is an entry in ClinVar:

ClinVar aggregate classification (germline): Uncertain significance (1 of 4 stars; one submission).

Allele frequency attached by ClinVar (database versions not stated): gnomAD exomes 0.00001.
gnomAD v4.1: 17 of 1,614,194 alleles (0.0011%); highest among the groups gnomAD compares: Non-Finnish European, 0.0014%; no homozygotes.

Submission:

Genetic Services Laboratory, University of Chicago
Classification: Uncertain significance. Last evaluated: 2021-05-24. Review status: criteria provided, single submitter. Criteria: ACMG Guidelines, 2015. Collection method: clinical testing. Allele origin: germline. Affected: no.
Comment: DNA sequence analysis of the DTNBP1 gene demonstrated a sequence change, c.476A>C, in exon 6 that results in an amino acid change, p.Lys159Thr. This sequence change is absent from known population databases (gnomAD). The p.Lys159Thr change affects a highly conserved amino acid residue located in a domain of the DTNBP1 protein that is not known to be functional. In-silico pathogenicity prediction tools (SIFT, PolyPhen2, Align GVGD, REVEL) provide contradictory results for the p.Lys159Thr substitution. This sequence change does not appear to have been previously described in patients with DTNBP1-related disorders. Due to the lack of sufficient evidences, the clinical significance of the p.Lys159Thr change remains unknown at this time.

NM_032122.5(DTNBP1):c.476A>C (p.Lys159Thr)

Gene: DTNBP1 (dystrobrevin binding protein 1; minus strand). Cytogenetic location: 6p22.3.
Variant type: single nucleotide variant.
Coding change: c.476A>C on transcript NM_032122.5 (MANE Select); coding-DNA position 476, A replaced by C.
Protein change: p.Lys159Thr; replaces lysine 159 with threonine.
Molecular consequence: missense variant. On other transcripts: non-coding transcript variant (1).
Genome position (GRCh38, 1-based): chr6:15,615,279, T>G on the plus strand (A>C on the coding strand, the complement: DTNBP1 is on the minus strand). VCF-style: chr6-15615279-T-G. GRCh37 (hg19) VCF-style: chr6-15615510-T-G.
Other names: c.233A>C, p.Lys78Thr (NM_001271667.2); c.425A>C, p.Lys142Thr (NM_001271668.2); c.371A>C, p.Lys124Thr (NM_001271669.2); c.476A>C, p.Lys159Thr (NM_183040.2); short protein forms K124T, K142T, K159T, K78T.
Identifiers: ClinVar variation 1337949 (VCV001337949.4), dbSNP rs2113702060, ClinGen allele CA362799698.
Genomic context (GRCh38, chr6:15,615,279, plus strand): 5'-AAAACTTCGAGACTGGAATGAATACTGTGGCAAACTTTTCAAACTCACCTCTTATTTTTC[T>G]TGTAATTCTCCAGTTGCTGGGACTGCATATGTTTGCATCTTTCTAATTCACACTGCCCAC-3'
Protein context (NP_115498.2, residues 149-169): HMQSQQLENY[Lys159Thr]KNKRKELETF